The following is an entry in ClinVar:

ClinVar aggregate classification (germline): Likely benign. Review status: criteria provided, multiple submitters, no conflicts (2 of 4 stars). 3 submissions from 3 submitters: Likely benign (2). 1 of the submissions does not count toward it. Last evaluated 2024-06-14.

Conditions:
WDR62-related disorder. Also called: WDR62-related condition.

Allele frequency attached by ClinVar (database versions not stated): 1000 Genomes Project 30x 0.00016; gnomAD 0.00016; TOPMed 0.00019; 1000 Genomes Project 0.00020; ESP Exome Variant Server 0.00023.
gnomAD v4.1: 39 of 1,614,168 alleles (0.0024%); highest among the groups gnomAD compares: African/African-American, 0.045%; no homozygotes.

Submissions (3):

Labcorp Genetics (formerly Invitae), Labcorp
Classification: Likely benign. Last evaluated: 2024-06-14. Review status: criteria provided, single submitter. Criteria: Invitae Variant Classification Sherloc (09022015). Collection method: clinical testing. Allele origin: germline.

CeGaT Center for Human Genetics Tuebingen
Classification: Likely benign. Last evaluated: 2024-01-01. Review status: criteria provided, single submitter. Criteria: CeGaT Center For Human Genetics Tuebingen Variant Classification Criteria Version 2. Collection method: clinical testing. Allele origin: germline. Affected: yes. Observed: 1 variant allele.
Comment: WDR62: BP4, BP7

PreventionGenetics, part of Exact Sciences
Classification: Likely benign for WDR62-related condition. Last evaluated: 2019-02-19. Review status: no assertion criteria provided. Collection method: clinical testing. Allele origin: germline. Not counted in ClinVar's aggregate classification.
Comment: This variant is classified as likely benign based on ACMG/AMP sequence variant interpretation guidelines (Richards et al. 2015 PMID: 25741868, with internal and published modifications).

NM_001083961.2(WDR62):c.2763C>G (p.Gly921=)

Gene: WDR62 (WD repeat domain 62; plus strand). Cytogenetic location: 19q13.12.
Variant type: single nucleotide variant.
Coding change: c.2763C>G on transcript NM_001083961.2 (MANE Select); coding-DNA position 2763, C replaced by G.
Protein change: p.Gly921=; no amino-acid change (glycine 921 retained).
Molecular consequence: synonymous variant.
Genome position (GRCh38, 1-based): chr19:36,100,771, C>G. VCF-style: chr19-36100771-C-G. GRCh37 (hg19) VCF-style: chr19-36591673-C-G.
Other names: c.2748C>G, p.Gly916= (NM_001411145.1); c.2763C>G, p.Gly921= (NM_001411146.1, NM_173636.5); c.2412C>G, p.Gly804= (NM_001411147.1).
Identifiers: ClinVar variation 1918709 (VCV001918709.28), dbSNP rs142747442, ClinGen allele CA9396049.